The following is an entry in ClinVar:

ClinVar aggregate classification (germline): Uncertain significance (1 of 4 stars; one submission).

Submission:

Labcorp Genetics (formerly Invitae), Labcorp
Classification: Uncertain significance. Last evaluated: 2024-09-02. Review status: criteria provided, single submitter. Criteria: Invitae Variant Classification Sherloc (09022015). Collection method: clinical testing. Allele origin: germline.
Comment: This sequence change replaces glycine, which is neutral and non-polar, with aspartic acid, which is acidic and polar, at codon 797 of the COL4A2 protein (p.Gly797Asp). This variant is not present in population databases (gnomAD no frequency). This variant has not been reported in the literature in individuals affected with COL4A2-related conditions. Invitae Evidence Modeling of protein sequence and biophysical properties (such as structural, functional, and spatial information, amino acid conservation, physicochemical variation, residue mobility, and thermodynamic stability) indicates that this missense variant is expected to disrupt COL4A2 protein function with a positive predictive value of 95%. In summary, the available evidence is currently insufficient to determine the role of this variant in disease. Therefore, it has been classified as a Variant of Uncertain Significance.

NM_001846.4(COL4A2):c.2390G>A (p.Gly797Asp)

Gene: COL4A2 (collagen type IV alpha 2 chain; plus strand). Cytogenetic location: 13q34.
Variant type: single nucleotide variant.
Coding change: c.2390G>A on transcript NM_001846.4 (MANE Select); coding-DNA position 2390, G replaced by A.
Protein change: p.Gly797Asp; replaces glycine 797 with aspartic acid.
Molecular consequence: missense variant.
Genome position (GRCh38, 1-based): chr13:110,473,115, G>A. VCF-style: chr13-110473115-G-A. GRCh37 (hg19) VCF-style: chr13-111125462-G-A.
Other names: short protein forms G797D.
Identifiers: ClinVar variation 3664241 (VCV003664241.2).